The following is an entry in ClinVar:

ClinVar aggregate classification (germline): Uncertain significance (1 of 4 stars; one submission).

Allele frequency attached by ClinVar (database versions not stated): TOPMed below 0.00001; gnomAD 0.00001.
gnomAD v4.1: 22 of 1,207,153 alleles (0.0018%); highest among the groups gnomAD compares: Non-Finnish European, 0.0025%; no homozygotes.

Submission:

Greenwood Genetic Center Diagnostic Laboratories, Greenwood Genetic Center
Classification: Uncertain significance. Last evaluated: 2020-11-20. Review status: criteria provided, single submitter. Criteria: ACMG Guidelines, 2015. Collection method: clinical testing. Allele origin: germline. Affected: yes.
Comment: PM2

NM_021120.4(DLG3):c.390G>C (p.Glu130Asp)

Gene: DLG3 (discs large MAGUK scaffold protein 3; plus strand). Cytogenetic location: Xq13.1.
Variant type: single nucleotide variant.
Coding change: c.390G>C on transcript NM_021120.4 (MANE Select); coding-DNA position 390, G replaced by C.
Protein change: p.Glu130Asp; replaces glutamic acid 130 with aspartic acid.
Molecular consequence: missense variant.
Genome position (GRCh38, 1-based): chrX:70,448,945, G>C. VCF-style: chrX-70448945-G-C. GRCh37 (hg19) VCF-style: chrX-69668795-G-C.
Other names: short protein forms E130D.
Identifiers: ClinVar variation 1331521 (VCV001331521.4), dbSNP rs182297323, ClinGen allele CA413491533.